The following is an entry in ClinVar:

ClinVar aggregate classification (germline): Likely benign (1 of 4 stars; one submission).

Allele frequency attached by ClinVar (database versions not stated): 1000 Genomes Project 0.00998; 1000 Genomes Project 30x 0.01171; gnomAD 0.01258 and 0.01361; TOPMed 0.01395.
gnomAD v4.1: 3,051 of 802,448 alleles (0.38%); highest among the groups gnomAD compares: African/African-American, 4.2%; 53 homozygotes.

Submission:

GeneDx
Classification: Likely benign. Last evaluated: 2018-06-16. Review status: criteria provided, single submitter. Criteria: GeneDx Variant Classification (06012015). Collection method: clinical testing. Allele origin: germline. Affected: yes.
Comment: This variant is considered likely benign or benign based on one or more of the following criteria: it is a conservative change, it occurs at a poorly conserved position in the protein, it is predicted to be benign by multiple in silico algorithms, and/or has population frequency not consistent with disease.

NM_005465.7(AKT3):c.627+114G>A

Gene: AKT3 (AKT serine/threonine kinase 3; minus strand). Cytogenetic location: 1q44.
Variant type: single nucleotide variant.
Coding change: c.627+114G>A on transcript NM_005465.7 (MANE Select); 114 bases into the intron after coding-DNA position 627, G replaced by A.
Molecular consequence: intron variant.
Genome position (GRCh38, 1-based): chr1:243,614,982, C>T on the plus strand (G>A on the coding strand, the complement: AKT3 is on the minus strand). VCF-style: chr1-243614982-C-T. GRCh37 (hg19) VCF-style: chr1-243778284-C-T.
Other names: c.627+114G>A (NM_181690.2, NM_001370074.1, NM_001206729.2).
Identifiers: ClinVar variation 679811 (VCV000679811.1), dbSNP rs114952562, ClinGen allele CA41030705.